The following is an entry in ClinVar:

ClinVar aggregate classification (germline): Uncertain significance (1 of 4 stars; one submission).

Allele frequency attached by ClinVar (database versions not stated): gnomAD exomes below 0.00001; TOPMed below 0.00001; ExAC 0.00001.
gnomAD v4.1: 3 of 1,614,206 alleles (0.00019%); highest among the groups gnomAD compares: Non-Finnish European, 0.00025%; no homozygotes.

Submission:

Labcorp Genetics (formerly Invitae), Labcorp
Classification: Uncertain significance. Last evaluated: 2024-01-22. Review status: criteria provided, single submitter. Criteria: Invitae Variant Classification Sherloc (09022015). Collection method: clinical testing. Allele origin: germline.
Comment: This sequence change replaces aspartic acid, which is acidic and polar, with asparagine, which is neutral and polar, at codon 10 of the C8orf37 protein (p.Asp10Asn). This variant is present in population databases (rs754647557, gnomAD 0.0009%). This variant has not been reported in the literature in individuals affected with C8orf37-related conditions. ClinVar contains an entry for this variant (Variation ID: 1057429). An algorithm developed to predict the effect of missense changes on protein structure and function (PolyPhen-2) suggests that this variant is likely to be disruptive. In summary, the available evidence is currently insufficient to determine the role of this variant in disease. Therefore, it has been classified as a Variant of Uncertain Significance.

NM_177965.4(CFAP418):c.28G>A (p.Asp10Asn)

Genes: CFAP418 (cilia and flagella associated protein 418; minus strand), CFAP418-AS1 (CFAP418 antisense RNA 1; plus strand), LOC130000784 (ATAC-STARR-seq lymphoblastoid active region 27655; plus strand). Cytogenetic location: 8q22.1.
Variant type: single nucleotide variant.
Coding change: c.28G>A on transcript NM_177965.4 (MANE Select); coding-DNA position 28, G replaced by A.
Protein change: p.Asp10Asn; replaces aspartic acid 10 with asparagine.
Molecular consequence: missense variant.
Genome position (GRCh38, 1-based): chr8:95,269,162, C>T on the plus strand (G>A on the coding strand, the complement: CFAP418 is on the minus strand). VCF-style: chr8-95269162-C-T. GRCh37 (hg19) VCF-style: chr8-96281390-C-T.
Other names: c.28G>A, p.Asp10Asn (NM_001363260.1); short protein forms D10N.
Identifiers: ClinVar variation 1057429 (VCV001057429.9), dbSNP rs754647557, ClinGen allele CA4815296.